The following is an entry in ClinVar:

ClinVar aggregate classification (germline): Likely benign. Review status: criteria provided, multiple submitters, no conflicts (2 of 4 stars). 4 submissions from 4 submitters: Likely benign (3). 1 of the submissions does not count toward it. Last evaluated 2023-11-20.

Conditions:
Malignant hyperthermia, susceptibility to, 5 (MHS5). Also called: CACNA1S-Related Malignant Hyperthermia Susceptibility. Identifiers: Orphanet 423, MedGen C1866077, MONDO:0011163, OMIM 601887.
CACNA1S-related disorder. Also called: CACNA1S-related condition.
Hypokalemic periodic paralysis, type 1. Also called: Hypokalemic Periodic Paralysis Type 1 (AD); HypoPP. Identifiers: Orphanet 681, MedGen C3714580, MONDO:0042979, OMIM 170400.

Allele frequency attached by ClinVar (database versions not stated): gnomAD exomes below 0.00001; gnomAD 0.00001.
gnomAD v4.1: 3 of 1,612,936 alleles (0.00019%); highest among the groups gnomAD compares: Non-Finnish European, 0.00025%; no homozygotes.

Submissions (4):

All of Us Research Program, National Institutes of Health
Classification: Likely benign for Malignant hyperthermia, susceptibility to, 5. Last evaluated: 2023-11-20. Review status: criteria provided, single submitter. Criteria: ACMG Guidelines, 2015. Collection method: clinical testing. Allele origin: germline. Inheritance: Autosomal dominant inheritance. Observed: 2 variant alleles, 2 heterozygotes.
Comment: This study involves interpretation of variants in research participants for the purpose of population health screening. Participant phenotype was not available at the time of variant classification. Additional details can be found in publication PMID: 35346344, PMCID: PMC8962531

Color Diagnostics, LLC DBA Color Health
Classification: Likely benign for Malignant hyperthermia, susceptibility to, 5. Last evaluated: 2023-06-14. Review status: criteria provided, single submitter. Criteria: ACMG Guidelines, 2015. Collection method: clinical testing. Allele origin: germline.

Labcorp Genetics (formerly Invitae), Labcorp
Classification: Likely benign for Hypokalemic periodic paralysis, type 1; Malignant hyperthermia, susceptibility to, 5. Last evaluated: 2022-05-07. Review status: criteria provided, single submitter. Criteria: Invitae Variant Classification Sherloc (09022015). Collection method: clinical testing. Allele origin: germline.

PreventionGenetics, part of Exact Sciences
Classification: Likely benign for CACNA1S-related condition. Last evaluated: 2021-04-27. Review status: no assertion criteria provided. Collection method: clinical testing. Allele origin: germline. Not counted in ClinVar's aggregate classification.
Comment: This variant is classified as likely benign based on ACMG/AMP sequence variant interpretation guidelines (Richards et al. 2015 PMID: 25741868, with internal and published modifications).

NM_000069.3(CACNA1S):c.2688G>A (p.Leu896=)

Gene: CACNA1S (calcium voltage-gated channel subunit alpha1 S; minus strand). Cytogenetic location: 1q32.1.
Variant type: single nucleotide variant.
Coding change: c.2688G>A on transcript NM_000069.3 (MANE Select); coding-DNA position 2688, G replaced by A.
Protein change: p.Leu896=; no amino-acid change (leucine 896 retained).
Molecular consequence: synonymous variant.
Genome position (GRCh38, 1-based): chr1:201,066,286, C>T on the plus strand (G>A on the coding strand, the complement: CACNA1S is on the minus strand). VCF-style: chr1-201066286-C-T. GRCh37 (hg19) VCF-style: chr1-201035414-C-T.
Other names: c.2688G>A (NM_000069.2).
Identifiers: ClinVar variation 1670639 (VCV001670639.12), dbSNP rs945772592, ClinGen allele CA35970621.